The following is an entry in ClinVar:

NM_017617.5(NOTCH1):c.917G>A (p.Cys306Tyr)

Gene: NOTCH1 (notch receptor 1; minus strand). Cytogenetic location: 9q34.3.
Variant type: single nucleotide variant.
Coding change: c.917G>A on transcript NM_017617.5 (MANE Select); coding-DNA position 917, G replaced by A.
Protein change: p.Cys306Tyr; replaces cysteine 306 with tyrosine.
Molecular consequence: missense variant.
Genome position (GRCh38, 1-based): chr9:136,518,773, C>T on the plus strand (G>A on the coding strand, the complement: NOTCH1 is on the minus strand). VCF-style: chr9-136518773-C-T. GRCh37 (hg19) VCF-style: chr9-139413225-C-T.
Other names: short protein forms C306Y.
Identifiers: ClinVar variation 3635975 (VCV003635975.2).
Genomic context (GRCh38, chr9:136,518,773, plus strand): 5'-CCGTTGACACACACGCAGTTGTAGCCACCGTGGGTGTTGTGGCAGGTCCCGCCGTTCTGG[C>T]AGGCATTTGGCATCAGCTGGCACTCGTCCACATCCTCGGTACAGTACTGACCTGCAGGGA-3'
Protein context (NP_060087.3, residues 296-316): VDECQLMPNA[Cys306Tyr]QNGGTCHNTH

ClinVar aggregate classification (germline): Uncertain significance (1 of 4 stars; one submission).

Conditions:
Adams-Oliver syndrome 5 (AOS5). Identifiers: Orphanet 974, MedGen C4014970, MONDO:0014459, OMIM 616028.

Submission:

Labcorp Genetics (formerly Invitae), Labcorp
Classification: Uncertain significance for Adams-Oliver syndrome 5. Last evaluated: 2024-02-11. Review status: criteria provided, single submitter. Criteria: Invitae Variant Classification Sherloc (09022015). Collection method: clinical testing. Allele origin: germline.
Comment: This sequence change replaces cysteine, which is neutral and slightly polar, with tyrosine, which is neutral and polar, at codon 306 of the NOTCH1 protein (p.Cys306Tyr). This variant is not present in population databases (gnomAD no frequency). This variant has not been reported in the literature in individuals affected with NOTCH1-related conditions. Advanced modeling of protein sequence and biophysical properties (such as structural, functional, and spatial information, amino acid conservation, physicochemical variation, residue mobility, and thermodynamic stability) performed at Invitae indicates that this missense variant is expected to disrupt NOTCH1 protein function with a positive predictive value of 95%. In summary, the available evidence is currently insufficient to determine the role of this variant in disease. Therefore, it has been classified as a Variant of Uncertain Significance.